The following is an entry in ClinVar:

ClinVar aggregate classification (germline): Uncertain significance (1 of 4 stars; one submission).

Conditions:
Monocytopenia with susceptibility to infections. Also called: MONOCYTOPENIA AND MYCOBACTERIAL INFECTION SYNDROME; MONOCYTOPENIA WITH SUSCEPTIBILITY TO MYCOBACTERIAL, FUNGAL, AND PAPILLOMAVIRUS INFECTIONS AND MYELODYSPLASIA; COMBINED IMMUNODEFICIENCY WITH SUSCEPTIBILITY TO MYCOBACTERIAL, VIRAL, AND FUNGAL INFECTIONS; Dendritic cell, monocyte, B lymphocyte, and natural killer lymphocyte deficiency; IMMUNODEFICIENCY 21; GATA2 DEFICIENCY. Identifiers: Orphanet 228423, MedGen C3280030, MONDO:0013607, OMIM 614172.
Deafness-lymphedema-leukemia syndrome. Also called: Lymphedema, primary, with myelodysplasia; Emberger syndrome. Identifiers: Orphanet 3226, MedGen C3279664, MONDO:0013540, OMIM 614038.

Allele frequency attached by ClinVar (database versions not stated): gnomAD exomes below 0.00001.
gnomAD v4.1: 1 of 1,612,580 alleles (0.000062%); highest among the groups gnomAD compares: African/African-American, 0.0013%; no homozygotes.

Submission:

Labcorp Genetics (formerly Invitae), Labcorp
Classification: Uncertain significance for Monocytopenia with susceptibility to infections; Deafness-lymphedema-leukemia syndrome. Last evaluated: 2021-04-29. Review status: criteria provided, single submitter. Criteria: Invitae Variant Classification Sherloc (09022015). Collection method: clinical testing. Allele origin: germline.
Comment: In summary, the available evidence is currently insufficient to determine the role of this variant in disease. Therefore, it has been classified as a Variant of Uncertain Significance. Algorithms developed to predict the effect of missense changes on protein structure and function are either unavailable or do not agree on the potential impact of this missense change (SIFT: "Tolerated"; PolyPhen-2: "Possibly Damaging"; Align-GVGD: "Class C0"). This variant has not been reported in the literature in individuals with GATA2-related conditions. This variant is not present in population databases (ExAC no frequency). This sequence change replaces glutamine with proline at codon 55 of the GATA2 protein (p.Gln55Pro). The glutamine residue is moderately conserved and there is a moderate physicochemical difference between glutamine and proline.

NM_032638.5(GATA2):c.164A>C (p.Gln55Pro)

Gene: GATA2 (GATA binding protein 2; minus strand). Cytogenetic location: 3q21.3.
Variant type: single nucleotide variant.
Coding change: c.164A>C on transcript NM_032638.5 (MANE Select); coding-DNA position 164, A replaced by C.
Protein change: p.Gln55Pro; replaces glutamine 55 with proline.
Molecular consequence: missense variant.
Genome position (GRCh38, 1-based): chr3:128,486,868, T>G on the plus strand (A>C on the coding strand, the complement: GATA2 is on the minus strand). VCF-style: chr3-128486868-T-G. GRCh37 (hg19) VCF-style: chr3-128205711-T-G.
Other names: c.164A>C, p.Gln55Pro (NM_001145661.2, NM_001145662.1); short protein forms Q55P.
Identifiers: ClinVar variation 1502249 (VCV001502249.8), dbSNP rs2107673491, ClinGen allele CA354408529.